The following is an entry in ClinVar:

NM_139076.3(ABRAXAS1):c.1143dup (p.Ala382fs)

Gene: ABRAXAS1 (abraxas 1, BRCA1 A complex subunit; minus strand). Cytogenetic location: 4q21.23.
Variant type: Duplication.
Coding change: c.1143dup on transcript NM_139076.3 (MANE Select); coding-DNA position 1143, one base duplicated (A; older notation c.1143dupA).
Protein change: p.Ala382fs; shifts the reading frame from alanine 382.
Molecular consequence: frameshift variant.
Genome position (GRCh38, 1-based): chr4:83,462,556, T duplicated on the plus strand (A on the coding strand, the reverse complement: ABRAXAS1 is on the minus strand); the first of 3 consecutive T bases (chr4:83,462,556-83,462,558); duplicating any one gives the same sequence. VCF-style (leftmost placement, unchanged base first): chr4-83462555-C-CT. GRCh37 (hg19) VCF-style: chr4-84383708-C-CT.
Other names: c.816dup, p.Ala273fs (NM_001345962.2); short protein forms A273fs, A382fs.
Identifiers: ClinVar variation 3717588 (VCV003717588.2), dbSNP rs1327418487.

ClinVar aggregate classification (germline): Uncertain significance (1 of 4 stars; one submission).

Submission:

Labcorp Genetics (formerly Invitae), Labcorp
Classification: Uncertain significance. Last evaluated: 2025-01-28. Review status: criteria provided, single submitter. Criteria: Invitae Variant Classification Sherloc (09022015). Collection method: clinical testing. Allele origin: germline.
Comment: This sequence change creates a premature translational stop signal (p.Ala382Serfs*11) in the ABRAXAS1 gene. While this is not anticipated to result in nonsense mediated decay, it is expected to disrupt the last 28 amino acid(s) of the ABRAXAS1 protein. This variant is present in population databases (no rsID available, gnomAD 0.03%). This variant has not been reported in the literature in individuals affected with ABRAXAS1-related conditions. Experimental studies and prediction algorithms are not available or were not evaluated, and the functional significance of this variant is currently unknown. In summary, the available evidence is currently insufficient to determine the role of this variant in disease. Therefore, it has been classified as a Variant of Uncertain Significance.